The following is an entry in ClinVar:

ClinVar aggregate classification (germline): Conflicting classifications of pathogenicity. Review status: criteria provided, conflicting classifications (1 of 4 stars). 8 submissions from 5 submitters: Uncertain significance (5); Benign (1); Likely benign (2). Last evaluated 2026-01-10.

Conditions:
Multiple endocrine neoplasia, type 2 (MEN2). Identifiers: Orphanet 653, MedGen C4048306, MONDO:0019003. Disease mechanism: gain of function.
Hereditary cancer-predisposing syndrome. Also called: Hereditary Cancer Syndrome; Hereditary neoplastic syndrome; Tumor predisposition; Neoplastic Syndromes, Hereditary. Identifiers: Orphanet 140162, MedGen C0027672, MeSH D009386, MONDO:0015356.
Renal hypodysplasia/aplasia 1 (RHDA1). Also called: RENAL APLASIA; HEREDITARY RENAL APLASIA. Identifiers: Orphanet 411709, MedGen C1619700, MONDO:0024519, OMIM 191830.
Hirschsprung disease, susceptibility to, 1 (HSCR1). Also called: RET-Related Hirschsprung Disease. Identifiers: Orphanet 388, MedGen C3888239, MONDO:0007723, OMIM 142623.
Multiple endocrine neoplasia. Identifiers: Orphanet 276161, MedGen C0027662, MONDO:0017169.
Pheochromocytoma. Also called: MAX-Related Hereditary Paraganglioma-Pheochromocytoma Syndrome. Identifiers: Orphanet 29072, MedGen C0031511, MONDO:0008233, OMIM 171300, HP:0002666.

Allele frequency attached by ClinVar (database versions not stated): ExAC 0.00004.
gnomAD v4.1: 16 of 1,614,162 alleles (0.00099%); highest among the groups gnomAD compares: South Asian, 0.0066%; no homozygotes.

Submissions (8):

Labcorp Genetics (formerly Invitae), Labcorp
Classification: Uncertain significance for Multiple endocrine neoplasia, type 2. Last evaluated: 2026-01-10. Review status: criteria provided, single submitter. Criteria: Invitae Variant Classification Sherloc (09022015). Collection method: clinical testing. Allele origin: germline.
Comment: This sequence change replaces arginine, which is basic and polar, with histidine, which is basic and polar, at codon 189 of the RET protein (p.Arg189His). This variant is present in population databases (rs753707182, gnomAD 0.01%). This variant has not been reported in the literature in individuals affected with RET-related conditions. ClinVar contains an entry for this variant (Variation ID: 477378). An algorithm developed to predict the effect of missense changes on protein structure and function outputs the following: PolyPhen-2: "Benign". The histidine amino acid residue is found in multiple mammalian species, which suggests that this missense change does not adversely affect protein function. In summary, the available evidence is currently insufficient to determine the role of this variant in disease. Therefore, it has been classified as a Variant of Uncertain Significance.

All of Us Research Program, National Institutes of Health
Classification: Uncertain significance for Multiple endocrine neoplasia, type 2. Last evaluated: 2023-11-02. Review status: criteria provided, single submitter. Criteria: ACMG Guidelines, 2015. Collection method: clinical testing. Allele origin: germline. Inheritance: Autosomal dominant inheritance. Observed: 1 variant allele, 1 heterozygote.
Comment: This missense variant replaces arginine with histidine at codon 189 of the RET protein. Computational prediction suggests that this variant may not impact protein structure and function (internally defined REVEL score threshold <= 0.5, PMID: 27666373). To our knowledge, functional studies have not been reported for this variant. This variant has not been reported in individuals affected with RET-related disorders in the literature. This variant has been identified in 6/251280 chromosomes in the general population by the Genome Aggregation Database (gnomAD). The available evidence is insufficient to determine the role of this variant in disease conclusively. Therefore, this variant is classified as a Variant of Uncertain Significance.

This study involves interpretation of variants in research participants for the purpose of population health screening. Participant phenotype was not available at the time of variant classification. Additional details can be found in publication PMID: 35346344, PMCID: PMC8962531

Color Diagnostics, LLC DBA Color Health
Classification: Uncertain significance for Multiple endocrine neoplasia, type 2. Last evaluated: 2023-10-13. Review status: criteria provided, single submitter. Criteria: ACMG Guidelines, 2015. Collection method: clinical testing. Allele origin: germline.
Comment: This missense variant replaces arginine with histidine at codon 189 of the RET protein. Computational prediction suggests that this variant may not impact protein structure and function. To our knowledge, functional studies have not been reported for this variant. This variant has not been reported in individuals affected with RET-related disorders in the literature. This variant has been identified in 6/251280 chromosomes in the general population by the Genome Aggregation Database (gnomAD). The available evidence is insufficient to determine the role of this variant in disease conclusively. Therefore, this variant is classified as a Variant of Uncertain Significance.

Ambry Genetics
Classification: Likely benign for Hereditary cancer-predisposing syndrome. Last evaluated: 2023-08-14. Review status: criteria provided, single submitter. Criteria: Ambry Variant Classification Scheme 2023. Collection method: clinical testing. Allele origin: germline.

Illumina Laboratory Services, Illumina
Classification: Likely benign for Multiple endocrine neoplasia. Last evaluated: 2018-01-13. Review status: criteria provided, single submitter. Criteria: ICSL Variant Classification Criteria 13 December 2019. Collection method: clinical testing. Allele origin: germline.
Comment: This variant was observed in the ICSL laboratory as part of a predisposition screen in an ostensibly healthy population. It had not been previously curated by ICSL or reported in the Human Gene Mutation Database (HGMD: prior to June 1st, 2018), and was therefore a candidate for classification through an automated scoring system. Utilizing variant allele frequency, disease prevalence and penetrance estimates, and inheritance mode, an automated score was calculated to assess if this variant is too frequent to cause the disease. Based on the score and internal cut-off values, a variant classified as likely benign is not then subjected to further curation. The score for this variant resulted in a classification of likely benign for this disease.

Illumina Laboratory Services, Illumina
Classification: Benign for Pheochromocytoma. Last evaluated: 2018-01-13. Review status: criteria provided, single submitter. Criteria: ICSL Variant Classification Criteria 13 December 2019. Collection method: clinical testing. Allele origin: germline.
Comment: This variant was observed in the ICSL laboratory as part of a predisposition screen in an ostensibly healthy population. It had not been previously curated by ICSL or reported in the Human Gene Mutation Database (HGMD: prior to June 1st, 2018), and was therefore a candidate for classification through an automated scoring system. Utilizing variant allele frequency, disease prevalence and penetrance estimates, and inheritance mode, an automated score was calculated to assess if this variant is too frequent to cause the disease. Based on the score and internal cut-off values, a variant classified as benign is not then subjected to further curation. The score for this variant resulted in a classification of benign for this disease.

Illumina Laboratory Services, Illumina
Classification: Uncertain significance for Renal hypodysplasia/aplasia 1. Last evaluated: 2018-01-13. Review status: criteria provided, single submitter. Criteria: ICSL Variant Classification Criteria 13 December 2019. Collection method: clinical testing. Allele origin: germline.

Illumina Laboratory Services, Illumina
Classification: Uncertain significance for Hirschsprung disease, susceptibility to, 1. Last evaluated: 2018-01-13. Review status: criteria provided, single submitter. Criteria: ICSL Variant Classification Criteria 13 December 2019. Collection method: clinical testing. Allele origin: germline.

NM_020975.6(RET):c.566G>A (p.Arg189His)

Gene: RET (ret proto-oncogene; plus strand). Cytogenetic location: 10q11.21.
Variant type: single nucleotide variant.
Coding change: c.566G>A on transcript NM_020975.6 (MANE Select); coding-DNA position 566, G replaced by A.
Protein change: p.Arg189His; replaces arginine 189 with histidine.
Molecular consequence: missense variant.
Genome position (GRCh38, 1-based): chr10:43,102,570, G>A. VCF-style: chr10-43102570-G-A. GRCh37 (hg19) VCF-style: chr10-43598018-G-A.
Other names: c.566G>A, p.Arg189His (NM_000323.2, NM_001406743.1, NM_001406744.1 and 16 more transcripts); c.437G>A, p.Arg146His (NM_001406761.1, NM_001406762.1, NM_001406764.1 and 4 more transcripts); short protein forms R189H, R146H.
Identifiers: ClinVar variation 477378 (VCV000477378.20), dbSNP rs753707182, ClinGen allele CA043969.